The following is an entry in ClinVar:

ClinVar aggregate classification (germline): Uncertain significance. Review status: criteria provided, multiple submitters, no conflicts (2 of 4 stars). 2 submissions from 2 submitters: Uncertain significance (2). Last evaluated 2024-08-06.

Conditions:
Autoinflammation, immune dysregulation, and eosinophilia. Also called: ATOPIC DERMATITIS, ENTERITIS, COLITIS, AND EOSINOPHILIA. Identifiers: MedGen C5436572, MONDO:0033558, OMIM 618999.

Allele frequency attached by ClinVar (database versions not stated): gnomAD exomes 0.00002 and 0.00004; TOPMed 0.00002; ExAC 0.00004; gnomAD 0.00005 and 0.00006; ESP Exome Variant Server 0.00008.
gnomAD v4.1: 33 of 1,608,576 alleles (0.0021%); highest among the groups gnomAD compares: African/African-American, 0.004%; no homozygotes.

Submissions (2):

Labcorp Genetics (formerly Invitae), Labcorp
Classification: Uncertain significance. Last evaluated: 2024-08-06. Review status: criteria provided, single submitter. Criteria: Invitae Variant Classification Sherloc (09022015). Collection method: clinical testing. Allele origin: germline.
Comment: This sequence change replaces arginine, which is basic and polar, with cysteine, which is neutral and slightly polar, at codon 1113 of the JAK1 protein (p.Arg1113Cys). This variant is present in population databases (rs370434553, gnomAD 0.03%). This variant has not been reported in the literature in individuals affected with JAK1-related conditions. ClinVar contains an entry for this variant (Variation ID: 1473323). Advanced modeling of protein sequence and biophysical properties (such as structural, functional, and spatial information, amino acid conservation, physicochemical variation, residue mobility, and thermodynamic stability) has been performed at Invitae for this missense variant, however the output from this modeling did not meet the statistical confidence thresholds required to predict the impact of this variant on JAK1 protein function. In summary, the available evidence is currently insufficient to determine the role of this variant in disease. Therefore, it has been classified as a Variant of Uncertain Significance.

Department of Pathology and Laboratory Medicine, Sinai Health System
Classification: Uncertain significance for Autoinflammation, immune dysregulation, and eosinophilia. Last evaluated: 2022-06-22. Review status: criteria provided, single submitter. Criteria: ACMG Guidelines, 2015. Collection method: research. Allele origin: germline.

NM_002227.4(JAK1):c.3337C>T (p.Arg1113Cys)

Gene: JAK1 (Janus kinase 1; minus strand). Cytogenetic location: 1p31.3.
Variant type: single nucleotide variant.
Coding change: c.3337C>T on transcript NM_002227.4 (MANE Select); coding-DNA position 3337, C replaced by T.
Protein change: p.Arg1113Cys; replaces arginine 1113 with cysteine.
Molecular consequence: missense variant.
Genome position (GRCh38, 1-based): chr1:64,835,428, G>A on the plus strand (C>T on the coding strand, the complement: JAK1 is on the minus strand). VCF-style: chr1-64835428-G-A. GRCh37 (hg19) VCF-style: chr1-65301111-G-A.
Other names: c.3337C>T, p.Arg1113Cys (NM_001320923.2, NM_001321852.2, NM_001321853.2 and 3 more transcripts); c.3334C>T, p.Arg1112Cys (NM_001321857.2); short protein forms R1112C, R1113C.
Identifiers: ClinVar variation 1473323 (VCV001473323.7), dbSNP rs370434553, ClinGen allele CA892475.
Genomic context (GRCh38, chr1:64,835,428, plus strand): 5'-TTATTACTGTGACGTGGCCCATAGATACCTCATCTGGACAGTTAGGTGGGCACGGCAGGC[G>A]TTTTCCTTCTTTTAACGTATTCACAAGTCTTGTGACTGTCATCTGGCCATGGGTTGGGCC-3'
Protein context (NP_002218.2, residues 1103-1123): RLVNTLKEGK[Arg1113Cys]LPCPPNCPDE